The following is an entry in ClinVar:

NM_001127671.2(LIFR):c.1180C>A (p.Gln394Lys)

Gene: LIFR (LIF receptor subunit alpha; minus strand). Cytogenetic location: 5p13.1.
Variant type: single nucleotide variant.
Coding change: c.1180C>A on transcript NM_001127671.2 (MANE Select); coding-DNA position 1180, C replaced by A.
Protein change: p.Gln394Lys; replaces glutamine 394 with lysine.
Molecular consequence: missense variant.
Genome position (GRCh38, 1-based): chr5:38,506,016, G>T on the plus strand (C>A on the coding strand, the complement: LIFR is on the minus strand). VCF-style: chr5-38506016-G-T. GRCh37 (hg19) VCF-style: chr5-38506118-G-T.
Other names: c.1180C>A, p.Gln394Lys (NM_001364297.2, NM_001364298.2, NM_002310.6); c.1180C>A (NM_002310.5); short protein forms Q394K.
Identifiers: ClinVar variation 2184886 (VCV002184886.2), dbSNP rs1482559118, ClinGen allele CA359543946.
Genomic context (GRCh38, chr5:38,506,016, plus strand): 5'-TGTGAGCATTCAAAGTAAAATTATATATTTCTTGATTTGGAAGCATTTGAAATAATAATT[G>T]ATAGCTTTCGTTTGTAGGTGCTTCAGCTCTTTTAAGTCTAACATATTTTCCTGAAAAACT-3'
Protein context (NP_001121143.1, residues 384-404): RAEAPTNESY[Gln394Lys]LLFQMLPNQE

ClinVar aggregate classification (germline): Uncertain significance. Review status: criteria provided, multiple submitters, no conflicts (2 of 4 stars). 2 submissions from 2 submitters: Uncertain significance (2). Last evaluated 2025-05-23.

Conditions:
Inborn genetic diseases. Identifiers: MedGen C0950123, MeSH D030342.

Allele frequency attached by ClinVar (database versions not stated): gnomAD 0.00002; TOPMed 0.00001; gnomAD exomes 0.00002.
gnomAD v4.1: 25 of 1,607,108 alleles (0.0016%); highest among the groups gnomAD compares: African/African-American, 0.0027%; no homozygotes.

Submissions (2):

Ambry Genetics
Classification: Uncertain significance for Inborn genetic diseases. Last evaluated: 2025-05-23. Review status: criteria provided, single submitter. Criteria: Ambry Variant Classification Scheme 2023. Collection method: clinical testing. Allele origin: germline.

Labcorp Genetics (formerly Invitae), Labcorp
Classification: Uncertain significance. Last evaluated: 2022-08-22. Review status: criteria provided, single submitter. Criteria: Invitae Variant Classification Sherloc (09022015). Collection method: clinical testing. Allele origin: germline.
Comment: This sequence change replaces glutamine, which is neutral and polar, with lysine, which is basic and polar, at codon 394 of the LIFR protein (p.Gln394Lys). This variant is present in population databases (no rsID available, gnomAD 0.01%). This variant has not been reported in the literature in individuals affected with LIFR-related conditions. Algorithms developed to predict the effect of missense changes on protein structure and function (SIFT, PolyPhen-2, Align-GVGD) all suggest that this variant is likely to be tolerated. In summary, the available evidence is currently insufficient to determine the role of this variant in disease. Therefore, it has been classified as a Variant of Uncertain Significance.